The following is an entry in ClinVar:

ClinVar aggregate classification (germline): Uncertain significance (1 of 4 stars; one submission).

Conditions:
Hereditary cancer-predisposing syndrome. Also called: Neoplastic Syndromes, Hereditary; Hereditary neoplastic syndrome; Tumor predisposition; Hereditary Cancer Syndrome. Identifiers: Orphanet 140162, MedGen C0027672, MeSH D009386, MONDO:0015356.

Submission:

Ambry Genetics
Classification: Uncertain significance for Hereditary cancer-predisposing syndrome. Last evaluated: 2022-11-20. Review status: criteria provided, single submitter. Criteria: Ambry Variant Classification Scheme 2023. Collection method: clinical testing. Allele origin: germline.
Comment: The p.F260L variant (also known as c.780T>G), located in coding exon 6 of the DICER1 gene, results from a T to G substitution at nucleotide position 780. The phenylalanine at codon 260 is replaced by leucine, an amino acid with highly similar properties. This amino acid position is conserved. In addition, this alteration is predicted to be tolerated by in silico analysis. Since supporting evidence is limited at this time, the clinical significance of this alteration remains unclear.

NM_177438.3(DICER1):c.780T>G (p.Phe260Leu)

Gene: DICER1 (dicer 1, ribonuclease III; minus strand). Cytogenetic location: 14q32.13.
Variant type: single nucleotide variant.
Coding change: c.780T>G on transcript NM_177438.3 (MANE Select); coding-DNA position 780, T replaced by G.
Protein change: p.Phe260Leu; replaces phenylalanine 260 with leucine.
Molecular consequence: missense variant. On other transcripts: 5 prime UTR variant (1), non-coding transcript variant (6).
Genome position (GRCh38, 1-based): chr14:95,126,703, A>C on the plus strand (T>G on the coding strand, the complement: DICER1 is on the minus strand). VCF-style: chr14-95126703-A-C. GRCh37 (hg19) VCF-style: chr14-95593040-A-C.
Other names: c.780T>G, p.Phe260Leu (NM_001195573.1, NM_001271282.3, NM_001291628.2 and 15 more transcripts); c.498T>G, p.Phe166Leu (NM_001395686.1); c.375T>G, p.Phe125Leu (NM_001395687.1, NM_001395688.1, NM_001395689.1 and 3 more transcripts); c.213T>G, p.Phe71Leu (NM_001395691.1); c.-789T>G (NM_001395697.1); short protein forms F166L, F125L, F260L, F71L.
Identifiers: ClinVar variation 2472498 (VCV002472498.2), dbSNP rs2543231040, ClinGen allele CA390887807.